The following is an entry in ClinVar:

ClinVar aggregate classification (germline): Uncertain significance. Review status: criteria provided, multiple submitters, no conflicts (2 of 4 stars). 3 submissions from 3 submitters: Uncertain significance (3). Last evaluated 2026-09-01.

Conditions:
Adams-Oliver syndrome 5 (AOS5). Identifiers: Orphanet 974, MedGen C4014970, MONDO:0014459, OMIM 616028.

Allele frequency attached by ClinVar (database versions not stated): ExAC 0.00001; TOPMed 0.00002.

Submissions (3):

CeGaT Center for Human Genetics Tuebingen
Classification: Uncertain significance. Last evaluated: 2026-09-01. Review status: criteria provided, single submitter. Criteria: CeGaT Center For Human Genetics Tuebingen Variant Classification Criteria Version 2. Collection method: clinical testing. Allele origin: germline. Affected: yes. Observed: 1 variant allele.
Comment: NOTCH1: PM2, BP4

Labcorp Genetics (formerly Invitae), Labcorp
Classification: Uncertain significance for Adams-Oliver syndrome 5. Last evaluated: 2025-07-13. Review status: criteria provided, single submitter. Criteria: Invitae Variant Classification Sherloc (09022015). Collection method: clinical testing. Allele origin: germline.
Comment: This sequence change replaces alanine, which is neutral and non-polar, with threonine, which is neutral and polar, at codon 2358 of the NOTCH1 protein (p.Ala2358Thr). This variant is not present in population databases (gnomAD no frequency). This variant has not been reported in the literature in individuals affected with NOTCH1-related conditions. ClinVar contains an entry for this variant (Variation ID: 965851). Invitae Evidence Modeling of protein sequence and biophysical properties (such as structural, functional, and spatial information, amino acid conservation, physicochemical variation, residue mobility, and thermodynamic stability) indicates that this missense variant is not expected to disrupt NOTCH1 protein function with a negative predictive value of 80%. In summary, the available evidence is currently insufficient to determine the role of this variant in disease. Therefore, it has been classified as a Variant of Uncertain Significance.

Women's Health and Genetics/Laboratory Corporation of America, LabCorp
Classification: Uncertain significance. Last evaluated: 2024-08-12. Review status: criteria provided, single submitter. Criteria: LabCorp Variant Classification Summary - May 2015. Collection method: clinical testing. Allele origin: germline.
Comment: Variant summary: NOTCH1 c.7072G>A (p.Ala2358Thr) results in a non-conservative amino acid change located in the Notch, C-terminal domain (IPR024600) of the encoded protein sequence. Four of five in-silico tools predict a benign effect of the variant on protein function. The variant was absent in 247738 control chromosomes. The available data on variant occurrences in the general population are insufficient to allow any conclusion about variant significance. To our knowledge, no occurrence of c.7072G>A in individuals affected with NOTCH1-related conditions and no experimental evidence demonstrating its impact on protein function have been reported. ClinVar contains an entry for this variant (Variation ID: 965851). Based on the evidence outlined above, the variant was classified as uncertain significance.

Literature cited by the submitters: PubMed 24943832 (cited by Women's Health and Genetics/Laboratory Corporation of America, LabCorp); PubMed 16614245 (cited by Women's Health and Genetics/Laboratory Corporation of America, LabCorp); PubMed 21670202 (cited by Women's Health and Genetics/Laboratory Corporation of America, LabCorp); PubMed 22210878 (cited by Women's Health and Genetics/Laboratory Corporation of America, LabCorp); PubMed 19635999 (cited by Women's Health and Genetics/Laboratory Corporation of America, LabCorp); PubMed 26837699 (cited by Women's Health and Genetics/Laboratory Corporation of America, LabCorp); PubMed 23086750 (cited by Women's Health and Genetics/Laboratory Corporation of America, LabCorp); PubMed 19245433 (cited by Women's Health and Genetics/Laboratory Corporation of America, LabCorp); PubMed 22077063 (cited by Women's Health and Genetics/Laboratory Corporation of America, LabCorp); PubMed 15472075 (cited by Women's Health and Genetics/Laboratory Corporation of America, LabCorp); PubMed 23734977 (cited by Women's Health and Genetics/Laboratory Corporation of America, LabCorp); PubMed 22858860 (cited by Women's Health and Genetics/Laboratory Corporation of America, LabCorp).

NM_017617.5(NOTCH1):c.7072G>A (p.Ala2358Thr)

Gene: NOTCH1 (notch receptor 1; minus strand). Cytogenetic location: 9q34.3.
Variant type: single nucleotide variant.
Coding change: c.7072G>A on transcript NM_017617.5 (MANE Select); coding-DNA position 7072, G replaced by A.
Protein change: p.Ala2358Thr; replaces alanine 2358 with threonine.
Molecular consequence: missense variant.
Genome position (GRCh38, 1-based): chr9:136,496,667, C>T on the plus strand (G>A on the coding strand, the complement: NOTCH1 is on the minus strand). VCF-style: chr9-136496667-C-T. GRCh37 (hg19) VCF-style: chr9-139391119-C-T.
Other names: short protein forms A2358T.
Identifiers: ClinVar variation 965851 (VCV000965851.11), dbSNP rs780869345, ClinGen allele CA5339759.